The following is an entry in ClinVar:

NM_001164508.2(NEB):c.11164C>T (p.Arg3722Ter)

Gene: NEB (nebulin; minus strand). Cytogenetic location: 2q23.3.
Variant type: single nucleotide variant.
Coding change: c.11164C>T on transcript NM_001164508.2 (MANE Select); coding-DNA position 11164, C replaced by T.
Protein change: p.Arg3722Ter; replaces arginine 3722 with a stop codon.
Molecular consequence: nonsense.
Genome position (GRCh38, 1-based): chr2:151,617,381, G>A on the plus strand (C>T on the coding strand, the complement: NEB is on the minus strand). VCF-style: chr2-151617381-G-A. GRCh37 (hg19) VCF-style: chr2-152473895-G-A.
Other names: c.11164C>T, p.Arg3722Ter (NM_001164507.2, NM_001271208.2); c.10435C>T, p.Arg3479Ter (NM_004543.5); short protein forms R3722*, R3479*.
Identifiers: ClinVar variation 496131 (VCV000496131.23), dbSNP rs928945364, ClinGen allele CA57640117.

ClinVar aggregate classification (germline): Pathogenic/Likely pathogenic. Review status: criteria provided, multiple submitters, no conflicts (2 of 4 stars). 9 submissions from 9 submitters: Pathogenic (5); Likely pathogenic (2). 2 of the submissions do not count toward it. Last evaluated 2025-12-30.

Conditions:
Arthrogryposis multiplex congenita 6. Identifiers: MedGen C5543431, MONDO:0030281, OMIM 619334.
Nemaline myopathy. Also called: Myopathies, Nemaline. Identifiers: Orphanet 607, MedGen C0206157, MONDO:0018958.
Nemaline myopathy 2 (NEM2). Also called: Nemaline myopathy 2, autosomal recessive. Identifiers: MedGen C1850569, MONDO:0009725, OMIM 256030.

Allele frequency attached by ClinVar (database versions not stated): gnomAD exomes below 0.00001; gnomAD 0.00001; TOPMed 0.00001.
gnomAD v4.1: 6 of 1,557,392 alleles (0.00039%); highest among the groups gnomAD compares: African/African-American, 0.0014%; no homozygotes.

Submissions (9):

Labcorp Genetics (formerly Invitae), Labcorp
Classification: Pathogenic for Nemaline myopathy 2. Last evaluated: 2025-12-30. Review status: criteria provided, single submitter. Criteria: Invitae Variant Classification Sherloc (09022015). Collection method: clinical testing. Allele origin: germline.
Comment: This sequence change creates a premature translational stop signal (p.Arg3722*) in the NEB gene. It is expected to result in an absent or disrupted protein product. Loss-of-function variants in NEB are known to be pathogenic (PMID: 25205138). The frequency data for this variant in the population databases is considered unreliable, as metrics indicate poor data quality at this position in the gnomAD database. This premature translational stop signal has been observed in individual(s) with nemaline myopathy (PMID: 25205138). ClinVar contains an entry for this variant (Variation ID: 496131). For these reasons, this variant has been classified as Pathogenic.

Baylor Genetics
Classification: Pathogenic for Arthrogryposis multiplex congenita 6. Last evaluated: 2023-10-30. Review status: criteria provided, single submitter. Criteria: ACMG Guidelines, 2015. Collection method: clinical testing. Allele origin: unknown.

Revvity Omics, Revvity
Classification: Likely pathogenic. Last evaluated: 2022-02-21. Review status: criteria provided, single submitter. Criteria: ACMG Guidelines, 2015. Collection method: clinical testing. Allele origin: germline.

MGZ Medical Genetics Center
Classification: Likely pathogenic for Nemaline myopathy 2. Last evaluated: 2021-07-19. Review status: criteria provided, single submitter. Criteria: ACMG Guidelines, 2015. Collection method: clinical testing. Allele origin: germline. Affected: yes. Observed: 1 variant allele.
Comment: ACMG criteria applied: PVS1, PM2_SUP

Women's Health and Genetics/Laboratory Corporation of America, LabCorp
Classification: Pathogenic for Nemaline myopathy. Last evaluated: 2016-09-09. Review status: criteria provided, single submitter. Criteria: LabCorp Variant Classification Summary - May 2015. Collection method: clinical testing. Allele origin: germline.
Comment: Variant summary: The NEB c.11164C>T (p.Arg3722X) variant results in a premature termination codon, predicted to cause a truncated or absent NEB protein due to nonsense mediated decay, which are commonly known mechanisms for disease. Mutation taster predicts a damaging outcome for this variant. It is absent in 26806 control chromosomes while it was observed in affected patients in compound heterozygosity with other pathogenic NEB variants indicating causality. Taken together, this variant is classified as pathogenic.

Juno Genomics, Hangzhou Juno Genomics, Inc
Classification: Pathogenic for Nemaline myopathy 2; Arthrogryposis multiplex congenita 6. Review status: criteria provided, single submitter. Criteria: ACMG Guidelines, 2015. Collection method: clinical testing. Allele origin: germline.
Comment: Absent from controls (or at extremely low frequency if recessive) in Genome Aggregation Database.;Null variant in a gene where loss of function (LOF) is a known mechanism of disease.;For recessive disorders, detected in trans with a pathogenic variant.;Patient's phenotype or family history is highly specific for a disease with a single genetic etiology.

Lifecell International Pvt. Ltd
Classification: Pathogenic for Arthrogryposis multiplex congenita 6. Review status: criteria provided, single submitter. Criteria: ACMG Guidelines, 2015. Collection method: clinical testing. Allele origin: germline. Inheritance: Autosomal recessive inheritance. Affected: yes. Observed: 1 compound heterozygote.
Comment: A Heterozygous Nonsense variant c.10435C>T in Exon 72 of the NEB gene that results in the amino acid substitution p.Arg3479* was identified. The observed variant is novel in gnomAD exomes and genomes, respectively. The severity of the impact of this variant on the protein is high, based on the effect of the protein and REVEL score . Rare Exome Variant Ensemble Learner (REVEL) is an ensembl method for predicting the pathogenicity of missense variants based on a combination of scores from 13 individual tools: MutPred, FATHMM v2.3, VEST 3.0, PolyPhen-2, SIFT, PROVEAN, MutationAssessor, MutationTaster, LRT, GERP++, SiPhy, phyloP, and phastCons. The REVEL score for an individual missense variant can range from 0 to 1, with higher scores reflecting greater likelihood that the variant is disease-causing. ClinVar has also classified this variant as PathogenicLikelyPathogenic( variant ID 496131). This variant has been observed in many individuals affected with Arthrogryposis multiplex congenita 6 reported by(Lehtokari VL et al., 2014). Based on the above evidence this variant has been classified as Pathogenic according to the ACMG guidelines.

Natera, Inc.
Classification: Pathogenic for Nemaline myopathy type 2. Last evaluated: 2021-06-23. Review status: no assertion criteria provided. Collection method: clinical testing. Allele origin: germline. Not counted in ClinVar's aggregate classification.

Counsyl
Classification: Pathogenic for Nemaline myopathy 2. Last evaluated: 2018-05-15. Review status: no assertion criteria provided. Collection method: clinical testing. Allele origin: unknown. Not counted in ClinVar's aggregate classification.

Literature cited by the submitters: PubMed 25205138 (cited by 3 submitters).